The following is an entry in ClinVar:

ClinVar aggregate classification (germline): Uncertain significance. Review status: criteria provided, multiple submitters, no conflicts (2 of 4 stars). 2 submissions from 2 submitters: Uncertain significance (2). Last evaluated 2025-10-22.

Allele frequency attached by ClinVar (database versions not stated): ExAC 0.00005; gnomAD exomes 0.00007; TOPMed 0.00026; gnomAD 0.00038.
gnomAD v4.1: 157 of 1,614,126 alleles (0.0097%); highest among the groups gnomAD compares: Admixed American, 0.16%; no homozygotes.

Submissions (2):

Labcorp Genetics (formerly Invitae), Labcorp
Classification: Uncertain significance. Last evaluated: 2025-10-22. Review status: criteria provided, single submitter. Criteria: Invitae Variant Classification Sherloc (09022015). Collection method: clinical testing. Allele origin: germline.
Comment: This sequence change replaces glutamine, which is neutral and polar, with glutamic acid, which is acidic and polar, at codon 784 of the ZNF687 protein (p.Gln784Glu). This variant is present in population databases (rs751315734, gnomAD 0.1%), and has an allele count higher than expected for a pathogenic variant. This missense change has been observed in individual(s) with Paget's disease of bone (PMID: 29493781). ClinVar contains an entry for this variant (Variation ID: 2151895). An algorithm developed to predict the effect of missense changes on protein structure and function (PolyPhen-2) suggests that this variant is likely to be disruptive. In summary, the available evidence is currently insufficient to determine the role of this variant in disease. Therefore, it has been classified as a Variant of Uncertain Significance.

Women's Health and Genetics/Laboratory Corporation of America, LabCorp
Classification: Uncertain significance. Last evaluated: 2025-04-23. Review status: criteria provided, single submitter. Criteria: LabCorp Variant Classification Summary - May 2015. Collection method: clinical testing. Allele origin: germline.
Comment: Variant summary: ZNF687 c.2350C>G (p.Gln784Glu) results in a conservative amino acid change in the encoded protein sequence. Three of five in-silico tools predict a benign effect of the variant on protein function. The variant allele was found at a frequency of 0.00019 in 251432 control chromosomes (gnomAD). This frequency is not significantly higher than estimated for a pathogenic variant in ZNF687 causing Paget Disease Of Bone 6, allowing no conclusion about variant significance. c.2350C>G has been observed in one individual affected with Paget Disease Of Bone 6 (Divisato_2018). These data do not allow any conclusion about variant significance. To our knowledge, no experimental evidence demonstrating an impact on protein function has been reported. The following publication have been ascertained in the context of this evaluation (PMID: 29493781). ClinVar contains an entry for this variant (Variation ID: 2151895). Based on the evidence outlined above, the variant was classified as uncertain significance.

Literature cited by the submitters: PubMed 29493781 (cited by Labcorp Genetics (formerly Invitae), Labcorp and Women's Health and Genetics/Laboratory Corporation of America, LabCorp).

NM_020832.3(ZNF687):c.2350C>G (p.Gln784Glu)

Gene: ZNF687 (zinc finger protein 687; plus strand). Cytogenetic location: 1q21.3.
Variant type: single nucleotide variant.
Coding change: c.2350C>G on transcript NM_020832.3 (MANE Select); coding-DNA position 2350, C replaced by G.
Protein change: p.Gln784Glu; replaces glutamine 784 with glutamic acid.
Molecular consequence: missense variant.
Genome position (GRCh38, 1-based): chr1:151,289,150, C>G. VCF-style: chr1-151289150-C-G. GRCh37 (hg19) VCF-style: chr1-151261626-C-G.
Other names: c.2350C>G, p.Gln784Glu (NM_001304763.2, NM_001304764.2); short protein forms Q784E.
Identifiers: ClinVar variation 2151895 (VCV002151895.6), dbSNP rs751315734, ClinGen allele CA1088529.